The following is an entry in ClinVar:

ClinVar aggregate classification (germline): Uncertain significance (1 of 4 stars; one submission).

Conditions:
Familial cold autoinflammatory syndrome 2 (FCAS2). Identifiers: Orphanet 247868, MedGen C2673198, MONDO:0012724, OMIM 611762.

Submission:

Labcorp Genetics (formerly Invitae), Labcorp
Classification: Uncertain significance for Familial cold autoinflammatory syndrome 2. Last evaluated: 2025-01-27. Review status: criteria provided, single submitter. Criteria: Invitae Variant Classification Sherloc (09022015). Collection method: clinical testing. Allele origin: germline.
Comment: This sequence change replaces glutamic acid, which is acidic and polar, with glutamine, which is neutral and polar, at codon 21 of the NLRP12 protein (p.Glu21Gln). This variant is not present in population databases (gnomAD no frequency). This variant has not been reported in the literature in individuals affected with NLRP12-related conditions. Invitae Evidence Modeling of protein sequence and biophysical properties (such as structural, functional, and spatial information, amino acid conservation, physicochemical variation, residue mobility, and thermodynamic stability) indicates that this missense variant is not expected to disrupt NLRP12 protein function with a negative predictive value of 80%. In summary, the available evidence is currently insufficient to determine the role of this variant in disease. Therefore, it has been classified as a Variant of Uncertain Significance.

NM_144687.4(NLRP12):c.61G>C (p.Glu21Gln)

Gene: NLRP12 (NLR family pyrin domain containing 12; minus strand). Cytogenetic location: 19q13.42.
Variant type: single nucleotide variant.
Coding change: c.61G>C on transcript NM_144687.4 (MANE Select); coding-DNA position 61, G replaced by C.
Protein change: p.Glu21Gln; replaces glutamic acid 21 with glutamine.
Molecular consequence: missense variant.
Genome position (GRCh38, 1-based): chr19:53,824,114, C>G on the plus strand (G>C on the coding strand, the complement: NLRP12 is on the minus strand). VCF-style: chr19-53824114-C-G. GRCh37 (hg19) VCF-style: chr19-54327368-C-G.
Other names: c.61G>C, p.Glu21Gln (NM_001277126.2, NM_001277129.1); short protein forms E21Q.
Identifiers: ClinVar variation 3702576 (VCV003702576.2).